The following is an entry in ClinVar:

NM_000368.5(TSC1):c.16A>G (p.Asn6Asp)

Gene: TSC1 (TSC complex subunit 1; minus strand). Cytogenetic location: 9q34.13.
Variant type: single nucleotide variant.
Coding change: c.16A>G on transcript NM_000368.5 (MANE Select); coding-DNA position 16, A replaced by G.
Protein change: p.Asn6Asp; replaces asparagine 6 with aspartic acid.
Molecular consequence: missense variant. On other transcripts: 5 prime UTR variant (16), non-coding transcript variant (5), intron variant (2).
Genome position (GRCh38, 1-based): chr9:132,928,857, T>C on the plus strand (A>G on the coding strand, the complement: TSC1 is on the minus strand). VCF-style: chr9-132928857-T-C. GRCh37 (hg19) VCF-style: chr9-135804244-T-C.
Other names: c.-440A>G (NM_001406624.1, NM_001406616.1); c.-244A>G (NM_001406625.1, NM_001406617.1, NM_001406619.1 and 3 more transcripts); c.-862A>G (NM_001406626.1, NM_001406627.1, NM_001406628.1); c.-1004A>G (NM_001406629.1); c.-1078A>G (NM_001406630.1); c.-153-3118A>G (NM_001406620.1, NM_001406618.1); c.16A>G, p.Asn6Asp (NM_001406609.1, NM_001406610.1, NM_001406611.1 and 21 more transcripts); c.-336A>G (NM_001406614.1); and 1 more; short protein forms N6D.
Identifiers: ClinVar variation 3462430 (VCV003462430.2).

ClinVar aggregate classification (germline): Uncertain significance. Review status: criteria provided, multiple submitters, no conflicts (2 of 4 stars). 2 submissions from 2 submitters: Uncertain significance (2). Last evaluated 2024-06-27.

Conditions:
Lymphangiomyomatosis (LAM). Also called: Lymphangioleiomyomatosis; Lymphangioleiomyomatosis, somatic. Identifiers: Orphanet 538, MedGen C0751674, MONDO:0011705, OMIM 606690.
Tuberous sclerosis 1 (TSC1). Identifiers: Orphanet 805, MedGen C1854465, MONDO:0008612, OMIM 191100.
Isolated focal cortical dysplasia type II (FCORD2). Also called: CORTICAL DYSPLASIA OF TAYLOR; Focal cortical dysplasia type II. Identifiers: Orphanet 268994, MedGen C1846385, MONDO:0011818, OMIM 607341, HP:0032051.
Hereditary cancer-predisposing syndrome. Also called: Hereditary Cancer Syndrome; Hereditary neoplastic syndrome; Neoplastic Syndromes, Hereditary; Tumor predisposition. Identifiers: Orphanet 140162, MedGen C0027672, MeSH D009386, MONDO:0015356.

gnomAD v4.1: 1 of 1,614,188 alleles (0.000062%); highest among the groups gnomAD compares: Non-Finnish European, 0.000085%; no homozygotes.

Submissions (2):

Ambry Genetics
Classification: Uncertain significance for Hereditary cancer-predisposing syndrome. Last evaluated: 2024-06-27. Review status: criteria provided, single submitter. Criteria: Ambry Variant Classification Scheme 2023. Collection method: clinical testing. Allele origin: germline.
Comment: The p.N6D variant (also known as c.16A>G), located in coding exon 1 of the TSC1 gene, results from an A to G substitution at nucleotide position 16. The asparagine at codon 6 is replaced by aspartic acid, an amino acid with highly similar properties. This variant was detected in a cohort of 8 patients with phenotypes ranging from developmental delay, multiple congenital anomalies and/or autism spectrum disorders (Brett M et al. PLoS One, 2014 Apr;9:e93409). This amino acid position is well conserved in available vertebrate species. In addition, this alteration is predicted to be tolerated by in silico analysis. Based on the available evidence, the clinical significance of this variant remains unclear.

Fulgent Genetics
Classification: Uncertain significance for Tuberous sclerosis 1; Lymphangiomyomatosis; Isolated focal cortical dysplasia type II. Last evaluated: 2024-03-01. Review status: criteria provided, single submitter. Criteria: ACMG Guidelines, 2015. Collection method: clinical testing. Allele origin: germline.

Literature cited by the submitters: PubMed 24690944 (cited by Ambry Genetics).